The following is an entry in ClinVar:

NM_006019.4(TCIRG1):c.1583G>A (p.Ser528Asn)

Gene: TCIRG1 (T cell immune regulator 1, ATPase H+ transporting V0 subunit a3; plus strand). Cytogenetic location: 11q13.2.
Variant type: single nucleotide variant.
Coding change: c.1583G>A on transcript NM_006019.4 (MANE Select); coding-DNA position 1583, G replaced by A.
Protein change: p.Ser528Asn; replaces serine 528 with asparagine.
Molecular consequence: missense variant.
Genome position (GRCh38, 1-based): chr11:68,048,907, G>A. VCF-style: chr11-68048907-G-A. GRCh37 (hg19) VCF-style: chr11-67816374-G-A.
Other names: c.689G>A, p.Ser230Asn (NM_001351059.2); c.935G>A, p.Ser312Asn (NM_006053.4); short protein forms S230N, S312N, S528N.
Identifiers: ClinVar variation 1938154 (VCV001938154.4), dbSNP rs555362865, ClinGen allele CA381584999.
Genomic context (GRCh38, chr11:68,048,907, plus strand): 5'-CTGAGTCCAGCCCACCCCTGCTGCCACCCTAGATTTGGAGCCTGGCTGCCAACCACTTGA[G>A]CTTCCTCAACTCCTTCAAGATGAAGATGTCCGTCATCCTGGGCGTCGTGCACATGGCCTT-3'
Protein context (NP_006010.2, residues 518-538): PIWSLAANHL[Ser528Asn]FLNSFKMKMS

ClinVar aggregate classification (germline): Uncertain significance (1 of 4 stars; one submission).

Submission:

Labcorp Genetics (formerly Invitae), Labcorp
Classification: Uncertain significance. Last evaluated: 2024-12-13. Review status: criteria provided, single submitter. Criteria: Invitae Variant Classification Sherloc (09022015). Collection method: clinical testing. Allele origin: germline.
Comment: This sequence change replaces serine, which is neutral and polar, with asparagine, which is neutral and polar, at codon 528 of the TCIRG1 protein (p.Ser528Asn). This variant is present in population databases (no rsID available, gnomAD 0.0009%). This variant has not been reported in the literature in individuals affected with TCIRG1-related conditions. ClinVar contains an entry for this variant (Variation ID: 1938154). Invitae Evidence Modeling of protein sequence and biophysical properties (such as structural, functional, and spatial information, amino acid conservation, physicochemical variation, residue mobility, and thermodynamic stability) indicates that this missense variant is not expected to disrupt TCIRG1 protein function with a negative predictive value of 80%. In summary, the available evidence is currently insufficient to determine the role of this variant in disease. Therefore, it has been classified as a Variant of Uncertain Significance.